The following is an entry in ClinVar:

ClinVar aggregate classification (germline): Uncertain significance (1 of 4 stars; one submission).

Conditions:
Autosomal recessive limb-girdle muscular dystrophy type 2J (LGMDR10). Also called: Limb-girdle muscular dystrophy, type 2J; MUSCULAR DYSTROPHY, LIMB-GIRDLE, AUTOSOMAL RECESSIVE 10. Identifiers: Orphanet 140922, MedGen C1837342, MONDO:0012127, OMIM 608807.
Dilated cardiomyopathy 1G (CMD1G). Identifiers: Orphanet 154, MedGen C1858763, MONDO:0011400, OMIM 604145.

Submission:

Labcorp Genetics (formerly Invitae), Labcorp
Classification: Uncertain significance for Dilated cardiomyopathy 1G; Autosomal recessive limb-girdle muscular dystrophy type 2J. Last evaluated: 2022-12-23. Review status: criteria provided, single submitter. Criteria: Invitae Variant Classification Sherloc (09022015). Collection method: clinical testing. Allele origin: germline.
Comment: This variant has not been reported in the literature in individuals affected with TTN-related conditions. This variant is not present in population databases (gnomAD no frequency). Experimental studies and prediction algorithms are not available or were not evaluated, and the functional significance of this variant is currently unknown. This variant is located in the M band of TTN (PMID: 25589632). Variants in this region may be relevant for neuromuscular disorders, but have not been definitively shown to cause cardiomyopathy (PMID: 23975875). In summary, the available evidence is currently insufficient to determine the role of this variant in disease. Therefore, it has been classified as a Variant of Uncertain Significance. This variant, c.105138_105164del, results in the deletion of 9 amino acid(s) of the TTN protein (p.Glu35047_Glu35055del), but otherwise preserves the integrity of the reading frame.

Literature cited by the submitters: PubMed 25589632; PubMed 23975875.

NM_001267550.2(TTN):c.105138_105164del (p.Glu35047_Glu35055del)

Genes: TTN (titin; minus strand), TTN-AS1 (TTN antisense RNA 1; plus strand), LOC129935185 (ATAC-STARR-seq lymphoblastoid active region 16810; plus strand). Cytogenetic location: 2q31.2.
Variant type: Deletion.
Coding change: c.105138_105164del on transcript NM_001267550.2 (MANE Select); coding-DNA positions 105138 to 105164, 27 bases deleted (AGAGGTCCCCAGATCTGTTTTCCCTGA).
Protein change: p.Glu35047_Glu35055del.
Molecular consequence: inframe deletion.
Genome position (GRCh38, 1-based): chr2:178,531,451-178,531,477, TCAGGGAAAACAGATCTGGGGACCTCT deleted on the plus strand (AGAGGTCCCCAGATCTGTTTTCCCTGA on the coding strand, the reverse complement: TTN is on the minus strand); deleting any 27 consecutive bases within chr2:178,531,451-178,531,480 gives the same sequence; the c. name uses the placement nearest the transcript's 3' end. VCF-style (leftmost placement, unchanged base first): chr2-178531450-CTCAGGGAAAACAGATCTGGGGACCTCT-C. GRCh37 (hg19) VCF-style: chr2-179396177-CTCAGGGAAAACAGATCTGGGGACCTCT-C.
Other names: c.100215_100241del, p.Glu33406_Glu33414del (NM_001256850.1); c.77943_77969del, p.Glu25982_Glu25990del (NM_003319.4); c.97434_97460del, p.Glu32479_Glu32487del (NM_133378.4); c.78318_78344del, p.Glu26107_Glu26115del (NM_133432.3); c.78519_78545del, p.Glu26174_Glu26182del (NM_133437.4).
Identifiers: ClinVar variation 2933216 (VCV002933216.3), dbSNP rs2468410246, ClinGen allele CA2577170427.